The following is an entry in ClinVar:

NM_002206.3(ITGA7):c.128G>T (p.Arg43Leu)

Gene: ITGA7 (integrin subunit alpha 7; minus strand). Cytogenetic location: 12q13.2.
Variant type: single nucleotide variant.
Coding change: c.128G>T on transcript NM_002206.3 (MANE Select); coding-DNA position 128, G replaced by T.
Protein change: p.Arg43Leu; replaces arginine 43 with leucine.
Molecular consequence: missense variant. On other transcripts: 5 prime UTR variant (1), intron variant (3).
Genome position (GRCh38, 1-based): chr12:55,707,555, C>A on the plus strand (G>T on the coding strand, the complement: ITGA7 is on the minus strand). VCF-style: chr12-55707555-C-A. GRCh37 (hg19) VCF-style: chr12-56101339-C-A.
Other names: c.128G>T, p.Arg43Leu (NM_001144996.2, NM_001374465.1, NM_001410977.1 and 6 more transcripts); c.-1045G>T (NM_001367994.1); c.85+4508G>T (NM_001144997.2); c.-133-4377G>T (NM_001367993.1, NM_001414035.1); short protein forms R43L.
Identifiers: ClinVar variation 193222 (VCV000193222.12), dbSNP rs794726901, ClinGen allele CA238733.

ClinVar aggregate classification (germline): Uncertain significance. Review status: criteria provided, multiple submitters, no conflicts (2 of 4 stars). 2 submissions from 2 submitters: Uncertain significance (2). Last evaluated 2024-11-18.

Conditions:
Congenital muscular dystrophy due to integrin alpha-7 deficiency. Also called: MYOPATHY, CONGENITAL, DUE TO INTEGRIN ALPHA-7 DEFICIENCY; Congenital muscular dystrophy with integrin alpha-7 deficiency; Muscular dystrophy, congenital, due to ITGA7 deficiency. Identifiers: Orphanet 34520, MedGen C2750786, MONDO:0013177, OMIM 613204.

Allele frequency attached by ClinVar (database versions not stated): gnomAD exomes 0.00001.
gnomAD v4.1: 16 of 1,613,916 alleles (0.00099%); highest among the groups gnomAD compares: Admixed American, 0.013%; no homozygotes.

Submissions (2):

Labcorp Genetics (formerly Invitae), Labcorp
Classification: Uncertain significance for Congenital muscular dystrophy due to integrin alpha-7 deficiency. Last evaluated: 2024-11-18. Review status: criteria provided, single submitter. Criteria: Invitae Variant Classification Sherloc (09022015). Collection method: clinical testing. Allele origin: germline.
Comment: This sequence change replaces arginine, which is basic and polar, with leucine, which is neutral and non-polar, at codon 43 of the ITGA7 protein (p.Arg43Leu). This variant is present in population databases (rs794726901, gnomAD 0.006%). This variant has not been reported in the literature in individuals affected with ITGA7-related conditions. ClinVar contains an entry for this variant (Variation ID: 193222). Invitae Evidence Modeling of protein sequence and biophysical properties (such as structural, functional, and spatial information, amino acid conservation, physicochemical variation, residue mobility, and thermodynamic stability) indicates that this missense variant is not expected to disrupt ITGA7 protein function with a negative predictive value of 80%. In summary, the available evidence is currently insufficient to determine the role of this variant in disease. Therefore, it has been classified as a Variant of Uncertain Significance.

Eurofins Ntd Llc (ga)
Classification: Uncertain significance. Last evaluated: 2015-06-05. Review status: criteria provided, single submitter. Criteria: EGL Classification Definitions 2015. Collection method: clinical testing. Allele origin: germline. Observed: 1 variant allele, 1 heterozygote.